The following is an entry in ClinVar:

ClinVar aggregate classification (germline): Uncertain significance. Review status: criteria provided, multiple submitters, no conflicts (2 of 4 stars). 2 submissions from 2 submitters: Uncertain significance (2). Last evaluated 2026-01-11.

Conditions:
Heterotopia, periventricular, X-linked dominant (PVNH1). Also called: PERIVENTRICULAR NODULAR HETEROTOPIA 4; HETEROTOPIA, PERIVENTRICULAR, 1; PERIVENTRICULAR NODULAR HETEROTOPIA 1; X-linked periventricular heterotopia. Identifiers: Orphanet 2149, Orphanet 82004, MedGen C1848213, MONDO:0010233, OMIM 300049.
Melnick-Needles syndrome (MNS). Also called: MELNICK-NEEDLES OSTEODYSPLASTY; OSTEODYSPLASTY OF MELNICK AND NEEDLES; Melnick-Needles Syndrome (FLNA-MNS). Identifiers: Orphanet 2484, MedGen C0025237, MONDO:0010650, OMIM 309350.
Frontometaphyseal dysplasia (FMD1). Identifiers: Orphanet 1826, MedGen C0265293, MONDO:0015942.
Oto-palato-digital syndrome, type II (OPD2). Also called: FACIOPALATOOSSEOUS SYNDROME; OPD II SYNDROME; Otopalatodigital Syndrome, Type II; Otopalatodigital Syndrome Type 2 (FLNA-OPD2). Identifiers: Orphanet 669, Orphanet 90652, MedGen C1844696, MONDO:0010571, OMIM 304120.

Allele frequency attached by ClinVar (database versions not stated): gnomAD 0.00001; TOPMed 0.00003; gnomAD exomes below 0.00001.

Submissions (2):

Labcorp Genetics (formerly Invitae), Labcorp
Classification: Uncertain significance for Oto-palato-digital syndrome, type II; Heterotopia, periventricular, X-linked dominant; Frontometaphyseal dysplasia; Melnick-Needles syndrome. Last evaluated: 2026-01-11. Review status: criteria provided, single submitter. Criteria: Invitae Variant Classification Sherloc (09022015). Collection method: clinical testing. Allele origin: germline.
Comment: This sequence change replaces threonine, which is neutral and polar, with methionine, which is neutral and non-polar, at codon 351 of the FLNA protein (p.Thr351Met). This variant is not present in population databases (gnomAD no frequency). This variant has not been reported in the literature in individuals affected with FLNA-related conditions. ClinVar contains an entry for this variant (Variation ID: 1405654). Invitae Evidence Modeling of protein sequence and biophysical properties (such as structural, functional, and spatial information, amino acid conservation, physicochemical variation, residue mobility, and thermodynamic stability) indicates that this missense variant is not expected to disrupt FLNA protein function with a negative predictive value of 95%. In summary, the available evidence is currently insufficient to determine the role of this variant in disease. Therefore, it has been classified as a Variant of Uncertain Significance.

Neuberg Centre For Genomic Medicine, NCGM
Classification: Uncertain significance for Heterotopia, periventricular, X-linked dominant. Review status: criteria provided, single submitter. Criteria: ACMG Guidelines, 2015. Collection method: clinical testing. Allele origin: germline. Inheritance: X-linked inheritance. Affected: yes.

NM_001110556.2(FLNA):c.1052C>T (p.Thr351Met)

Gene: FLNA (filamin A; minus strand). Cytogenetic location: Xq28.
Variant type: single nucleotide variant.
Coding change: c.1052C>T on transcript NM_001110556.2 (MANE Select); coding-DNA position 1052, C replaced by T.
Protein change: p.Thr351Met; replaces threonine 351 with methionine.
Molecular consequence: missense variant.
Genome position (GRCh38, 1-based): chrX:154,366,575, G>A on the plus strand (C>T on the coding strand, the complement: FLNA is on the minus strand). VCF-style: chrX-154366575-G-A. GRCh37 (hg19) VCF-style: chrX-153594943-G-A.
Other names: c.1052C>T, p.Thr351Met (NM_001456.4); short protein forms T351M.
Identifiers: ClinVar variation 1405654 (VCV001405654.6), dbSNP rs1287585684, ClinGen allele CA415247012.
Genomic context (GRCh38, chrX:154,366,575, plus strand): 5'-CAGCCACTGCCTGAGGTCACAAGCCTCCCCCCTGGCCAAGGGCTCACCTTATGAGTCCCC[G>A]TCACCTCGGGGACGTACCAGACGGAGAAGGTGCGGTTCTTGTCGTTATTGGCGGTCACTT-3'
Protein context (NP_001104026.1, residues 341-361): TFSVWYVPEV[Thr351Met]GTHKVTVLFA